The following is an entry in ClinVar:

NM_173076.3(ABCA12):c.5361C>T (p.Ser1787=)

Gene: ABCA12 (ATP binding cassette subfamily A member 12; minus strand). Cytogenetic location: 2q35.
Variant type: single nucleotide variant.
Coding change: c.5361C>T on transcript NM_173076.3 (MANE Select); coding-DNA position 5361, C replaced by T.
Protein change: p.Ser1787=; no amino-acid change (serine 1787 retained).
Molecular consequence: synonymous variant. On other transcripts: non-coding transcript variant (1).
Genome position (GRCh38, 1-based): chr2:214,975,805, G>A on the plus strand (C>T on the coding strand, the complement: ABCA12 is on the minus strand). VCF-style: chr2-214975805-G-A. GRCh37 (hg19) VCF-style: chr2-215840529-G-A.
Other names: c.4407C>T, p.Ser1469= (NM_015657.4).
Identifiers: ClinVar variation 716069 (VCV000716069.37), dbSNP rs147656220, ClinGen allele CA2091252.

ClinVar aggregate classification (germline): Benign/Likely benign. Review status: criteria provided, multiple submitters, no conflicts (2 of 4 stars). 2 submissions from 2 submitters: Benign (1); Likely benign (1). Last evaluated 2026-01-26.

Allele frequency attached by ClinVar (database versions not stated): gnomAD exomes 0.00026 and 0.00060; ExAC 0.00072; ESP Exome Variant Server 0.00208; gnomAD 0.00249 and 0.00267; 1000 Genomes Project 0.00280; TOPMed 0.00281; 1000 Genomes Project 30x 0.00344.
gnomAD v4.1: 771 of 1,614,030 alleles (0.048%); highest among the groups gnomAD compares: African/African-American, 0.85%; 7 homozygotes.

Submissions (2):

Labcorp Genetics (formerly Invitae), Labcorp
Classification: Benign. Last evaluated: 2026-01-26. Review status: criteria provided, single submitter. Criteria: Invitae Variant Classification Sherloc (09022015). Collection method: clinical testing. Allele origin: germline.

CeGaT Center for Human Genetics Tuebingen
Classification: Likely benign. Last evaluated: 2023-01-01. Review status: criteria provided, single submitter. Criteria: CeGaT Center For Human Genetics Tuebingen Variant Classification Criteria Version 2. Collection method: clinical testing. Allele origin: germline. Affected: yes. Observed: 2 variant alleles.
Comment: ABCA12: BP4, BP7, BS2